The following is an entry in ClinVar:

ClinVar aggregate classification (germline): Uncertain significance (1 of 4 stars; one submission).

Conditions:
Emery-Dreifuss muscular dystrophy 5, autosomal dominant (EDMD5). Also called: EMERY-DREIFUSS MUSCULAR DYSTROPHY 5. Identifiers: Orphanet 261, MedGen C2751805, MONDO:0013072, OMIM 612999.

Allele frequency attached by ClinVar (database versions not stated): TOPMed below 0.00001.
gnomAD v4.1: 9 of 1,613,494 alleles (0.00056%); highest among the groups gnomAD compares: Middle Eastern, 0.033%; no homozygotes.

Submission:

Labcorp Genetics (formerly Invitae), Labcorp
Classification: Uncertain significance for Emery-Dreifuss muscular dystrophy 5, autosomal dominant. Last evaluated: 2025-10-06. Review status: criteria provided, single submitter. Criteria: Invitae Variant Classification Sherloc (09022015). Collection method: clinical testing. Allele origin: germline.
Comment: This sequence change replaces asparagine, which is neutral and polar, with aspartic acid, which is acidic and polar, at codon 1492 of the SYNE2 protein (p.Asn1492Asp). This variant is present in population databases (rs759496296, gnomAD no frequency). This variant has not been reported in the literature in individuals affected with SYNE2-related conditions. ClinVar contains an entry for this variant (Variation ID: 850677). An algorithm developed to predict the effect of missense changes on protein structure and function outputs the following: PolyPhen-2: "Benign". The aspartic acid amino acid residue is found in multiple mammalian species, which suggests that this missense change does not adversely affect protein function. In summary, the available evidence is currently insufficient to determine the role of this variant in disease. Therefore, it has been classified as a Variant of Uncertain Significance.

NM_182914.3(SYNE2):c.4474A>G (p.Asn1492Asp)

Gene: SYNE2 (spectrin repeat containing nuclear envelope protein 2; plus strand). Cytogenetic location: 14q23.2.
Variant type: single nucleotide variant.
Coding change: c.4474A>G on transcript NM_182914.3 (MANE Select); coding-DNA position 4474, A replaced by G.
Protein change: p.Asn1492Asp; replaces asparagine 1492 with aspartic acid.
Molecular consequence: missense variant.
Genome position (GRCh38, 1-based): chr14:64,007,119, A>G. VCF-style: chr14-64007119-A-G. GRCh37 (hg19) VCF-style: chr14-64473837-A-G.
Other names: c.4474A>G, p.Asn1492Asp (NM_015180.6); short protein forms N1492D.
Identifiers: ClinVar variation 850677 (VCV000850677.9), dbSNP rs759496296, ClinGen allele CA261798694.